The following is an entry in ClinVar:

NM_001909.5(CTSD):c.636G>T (p.Leu212=)

Gene: CTSD (cathepsin D; minus strand). Cytogenetic location: 11p15.5.
Variant type: single nucleotide variant.
Coding change: c.636G>T on transcript NM_001909.5 (MANE Select); coding-DNA position 636, G replaced by T.
Protein change: p.Leu212=; no amino-acid change (leucine 212 retained).
Molecular consequence: synonymous variant.
Genome position (GRCh38, 1-based): chr11:1,757,392, C>A on the plus strand (G>T on the coding strand, the complement: CTSD is on the minus strand). VCF-style: chr11-1757392-C-A. GRCh37 (hg19) VCF-style: chr11-1778622-C-A.
Identifiers: ClinVar variation 390903 (VCV000390903.9), dbSNP rs567625495, ClinGen allele CA5814122.
Genomic context (GRCh38, chr11:1,757,392, plus strand): 5'-GTAGAAGGAGAAGATGTTCTGGTCCACCAGCTTCTGCTGCATCAGGTTGTCGAAGACGGG[C>A]AGCACGTTGTTGACGGAGATGCGGGGGTAGGCCATGCCCAGGATGCCATCGAACTTGGCT-3'
Protein context (NP_001900.1, residues 202-222): AYPRISVNNV[Leu212=]PVFDNLMQQK

ClinVar aggregate classification (germline): Likely benign. Review status: criteria provided, multiple submitters, no conflicts (2 of 4 stars). 2 submissions from 2 submitters: Likely benign (2). Last evaluated 2024-08-12.

Conditions:
Neuronal ceroid lipofuscinosis. Also called: Neuronal Ceroid Lipofuscinoses. Identifiers: Orphanet 216, Orphanet 79263, MedGen C0027877, MONDO:0016295. Disease mechanism: loss of function.

Allele frequency attached by ClinVar (database versions not stated): gnomAD 0.00001 and 0.00002; gnomAD exomes 0.00001 and 0.00005; ExAC 0.00002; TOPMed 0.00007; 1000 Genomes Project 30x 0.00016; 1000 Genomes Project 0.00020.
gnomAD v4.1: 19 of 1,614,192 alleles (0.0012%); highest among the groups gnomAD compares: East Asian, 0.027%; no homozygotes.

Submissions (2):

Labcorp Genetics (formerly Invitae), Labcorp
Classification: Likely benign for Neuronal ceroid lipofuscinosis. Last evaluated: 2024-08-12. Review status: criteria provided, single submitter. Criteria: Invitae Variant Classification Sherloc (09022015). Collection method: clinical testing. Allele origin: germline.

GeneDx
Classification: Likely benign. Last evaluated: 2016-11-11. Review status: criteria provided, single submitter. Criteria: GeneDx Variant Classification (06012015). Collection method: clinical testing. Allele origin: germline. Affected: yes.
Comment: This variant is considered likely benign or benign based on one or more of the following criteria: it is a conservative change, it occurs at a poorly conserved position in the protein, it is predicted to be benign by multiple in silico algorithms, and/or has population frequency not consistent with disease.